The following is an entry in ClinVar:

NM_016390.4(SPOUT1):c.270G>A (p.Pro90=)

Genes: KYAT1-SPOUT1 (KYAT1-SPOUT1 readthrough; minus strand), SPOUT1 (SPOUT domain containing methyltransferase 1; minus strand). Cytogenetic location: 9q34.11.
Variant type: single nucleotide variant.
Coding change: c.270G>A on transcript NM_016390.4 (MANE Select); coding-DNA position 270, G replaced by A.
Protein change: p.Pro90=; no amino-acid change (proline 90 retained).
Molecular consequence: synonymous variant. On other transcripts: non-coding transcript variant (2).
Genome position (GRCh38, 1-based): chr9:128,827,130, C>T on the plus strand (G>A on the coding strand, the complement: SPOUT1 is on the minus strand). VCF-style: chr9-128827130-C-T. GRCh37 (hg19) VCF-style: chr9-131589409-C-T.
Other names: c.1617G>A, p.Pro539= (NM_001414398.1).
Identifiers: ClinVar variation 3041960 (VCV003041960.2), dbSNP rs3817684, ClinGen allele CA5269954.

ClinVar aggregate classification (germline): Benign (0 of 4 stars; one submission).

Conditions:
SPOUT1-related disorder. Also called: SPOUT1-related condition.

Allele frequency attached by ClinVar (database versions not stated): gnomAD exomes 0.00056; gnomAD 0.00084; TOPMed 0.00105; ExAC 0.00195; 1000 Genomes Project 30x 0.00328; 1000 Genomes Project 0.00359.

Submission:

PreventionGenetics, part of Exact Sciences
Classification: Benign for SPOUT1-related condition. Last evaluated: 2019-02-26. Review status: no assertion criteria provided. Collection method: clinical testing. Allele origin: germline.
Comment: This variant is classified as benign based on ACMG/AMP sequence variant interpretation guidelines (Richards et al. 2015 PMID: 25741868, with internal and published modifications).